The following is an entry in ClinVar:

NM_001365276.2(TNXB):c.9118C>G (p.Pro3040Ala)

Gene: TNXB (tenascin XB; minus strand). Cytogenetic location: 6p21.33.
Variant type: single nucleotide variant.
Coding change: c.9118C>G on transcript NM_001365276.2 (MANE Select); coding-DNA position 9118, C replaced by G.
Protein change: p.Pro3040Ala; replaces proline 3040 with alanine.
Molecular consequence: missense variant.
Genome position (GRCh38, 1-based): chr6:32,050,319, G>C on the plus strand (C>G on the coding strand, the complement: TNXB is on the minus strand). VCF-style: chr6-32050319-G-C. GRCh37 (hg19) VCF-style: chr6-32018096-G-C.
Other names: c.9112C>G, p.Pro3038Ala (NM_019105.8); short protein forms P3040A, P3038A.
Identifiers: ClinVar variation 1765850 (VCV001765850.2), dbSNP rs2483433395, ClinGen allele CA363542189.
Genomic context (GRCh38, chr6:32,050,319, plus strand): 5'-TGATGGGGGGCTCAGGGGTCATGGTAGGCACTGCTTGGGTGGTCTCGGCTTCATCCTTTG[G>C]AGCTGGACAGACACGTGTGGGGACAGTGAGGACCCTGGGTTCTCAGTTCAGCATAGAAAG-3'
Protein context (NP_001352205.1, residues 3030-3050): GPVSAVGVTA[Pro3040Ala]KDEAETTQAV

ClinVar aggregate classification (germline): Uncertain significance (1 of 4 stars; one submission).

Conditions:
Cardiovascular phenotype. Identifiers: MedGen CN230736.

Submission:

Ambry Genetics
Classification: Uncertain significance for Cardiovascular phenotype. Last evaluated: 2021-07-12. Review status: criteria provided, single submitter. Criteria: Ambry Variant Classification Scheme 2023. Collection method: clinical testing. Allele origin: germline.
Comment: The p.P3038A variant (also known as c.9112C>G), located in coding exon 26 of the TNXB gene, results from a C to G substitution at nucleotide position 9112. The proline at codon 3038 is replaced by alanine, an amino acid with highly similar properties. This amino acid position is conserved. In addition, this alteration is predicted to be tolerated by in silico analysis. Since supporting evidence is limited at this time, the clinical significance of this alteration remains unclear.